The following is an entry in ClinVar:

ClinVar aggregate classification (germline): Uncertain significance (1 of 4 stars; one submission).

Conditions:
Charcot-Marie-Tooth disease type 2B (CMT2B). Also called: CHARCOT-MARIE-TOOTH DISEASE, AXONAL, TYPE 2B; CHARCOT-MARIE-TOOTH DISEASE, AUTOSOMAL DOMINANT, TYPE 2B; Charcot-Marie-Tooth Neuropathy Type 2B; HEREDITARY MOTOR AND SENSORY NEUROPATHY IIB. Identifiers: Orphanet 99936, MedGen C1833219, MONDO:0010949, OMIM 600882.

Submission:

Labcorp Genetics (formerly Invitae), Labcorp
Classification: Uncertain significance for Charcot-Marie-Tooth disease type 2B. Last evaluated: 2024-01-22. Review status: criteria provided, single submitter. Criteria: Invitae Variant Classification Sherloc (09022015). Collection method: clinical testing. Allele origin: germline.
Comment: This sequence change falls in intron 5 of the RAB7A gene. It does not directly change the encoded amino acid sequence of the RAB7A protein. It affects a nucleotide within the consensus splice site. This variant is not present in population databases (gnomAD no frequency). This variant has not been reported in the literature in individuals affected with RAB7A-related conditions. Variants that disrupt the consensus splice site are a relatively common cause of aberrant splicing (PMID: 17576681, 9536098). Algorithms developed to predict the effect of sequence changes on RNA splicing suggest that this variant is not likely to affect RNA splicing. In summary, the available evidence is currently insufficient to determine the role of this variant in disease. Therefore, it has been classified as a Variant of Uncertain Significance.

Literature cited by the submitters: PubMed 17576681; PubMed 9536098.

NM_004637.6(RAB7A):c.528+2dup

Gene: RAB7A (RAB7A, member RAS oncogene family; plus strand). Cytogenetic location: 3q21.3.
Variant type: Duplication.
Coding change: c.528+2dup on transcript NM_004637.6 (MANE Select); the canonical splice donor site of the intron after coding-DNA position 528, one base duplicated (T; older notation c.528+2dupT).
Molecular consequence: splice donor variant.
Genome position (GRCh38, 1-based): chr3:128,807,673, T duplicated. VCF-style (leftmost placement, unchanged base first): chr3-128807672-G-GT. GRCh37 (hg19) VCF-style: chr3-128526515-G-GT.
Identifiers: ClinVar variation 2836032 (VCV002836032.3), dbSNP rs2529141365, ClinGen allele CA2739278598.
Genomic context (GRCh38, chr3:128,807,672, plus strand): 5'-AAGGAGGCCATCAACGTGGAGCAGGCGTTCCAGACGATTGCACGGAATGCACTTAAGCAG[G>GT]TGGGTCTCCCACAGCTGACCAGCCCACTCTGGTGATGCCTGACCACTGACCCAGTCCCTG-3'